The following is an entry in ClinVar:

NC_000007.14:g.128773814C>T

Gene: OPN1SW (opsin 1, short wave sensitive; minus strand). Cytogenetic location: 7q32.1.
Variant type: single nucleotide variant.
Genome position: GRCh38 VCF-style: chr7-128773814-C-T. GRCh37 (hg19) VCF-style: chr7-128413868-C-T.
Other names: NM_001708.2:c.762G>A.
Identifiers: ClinVar variation 856896 (VCV000856896.10), dbSNP rs758082130, ClinGen allele CA4472843.

ClinVar aggregate classification (germline): Uncertain significance. Review status: criteria provided, multiple submitters, no conflicts (2 of 4 stars). 2 submissions from 2 submitters: Uncertain significance (2). Last evaluated 2025-07-30.

Allele frequency attached by ClinVar (database versions not stated): ExAC 0.00001; gnomAD 0.00001 and 0.00002; gnomAD exomes 0.00001; TOPMed 0.00006.

Submissions (2):

Labcorp Genetics (formerly Invitae), Labcorp
Classification: Uncertain significance. Last evaluated: 2025-07-30. Review status: criteria provided, single submitter. Criteria: Invitae Variant Classification Sherloc (09022015). Collection method: clinical testing. Allele origin: germline.
Comment: This sequence change replaces methionine, which is neutral and non-polar, with isoleucine, which is neutral and non-polar, at codon 254 of the OPN1SW protein (p.Met254Ile). This variant is present in population databases (rs758082130, gnomAD 0.007%). This variant has not been reported in the literature in individuals affected with OPN1SW-related conditions. ClinVar contains an entry for this variant (Variation ID: 856896). An algorithm developed to predict the effect of missense changes on protein structure and function (PolyPhen-2) suggests that this variant is likely to be disruptive. In summary, the available evidence is currently insufficient to determine the role of this variant in disease. Therefore, it has been classified as a Variant of Uncertain Significance.

Ambry Genetics
Classification: Uncertain significance. Last evaluated: 2024-11-24. Review status: criteria provided, single submitter. Criteria: Ambry Variant Classification Scheme 2023. Collection method: clinical testing. Allele origin: germline.